The following is an entry in ClinVar:

NM_014305.4(TGDS):c.885-2A>C

Gene: TGDS (TDP-glucose 4,6-dehydratase; minus strand). Cytogenetic location: 13q32.1.
Variant type: single nucleotide variant.
Coding change: c.885-2A>C on transcript NM_014305.4 (MANE Select); the canonical splice acceptor site of the intron before coding-DNA position 885, A replaced by C.
Molecular consequence: splice acceptor variant.
Genome position (GRCh38, 1-based): chr13:94,576,413, T>G on the plus strand (A>C on the coding strand, the complement: TGDS is on the minus strand). VCF-style: chr13-94576413-T-G. GRCh37 (hg19) VCF-style: chr13-95228667-T-G.
Other names: c.789-2A>C (NM_001304430.2).
Identifiers: ClinVar variation 2437068 (VCV002437068.4), dbSNP rs775253964, ClinGen allele CA7017876.

ClinVar aggregate classification (germline): Conflicting classifications of pathogenicity. Review status: criteria provided, conflicting classifications (1 of 4 stars). 2 submissions from 2 submitters: Likely pathogenic (1); Uncertain significance (1). Last evaluated 2025-07-11.

Conditions:
Catel-Manzke syndrome. Also called: HYPERPHALANGY-CLINODACTYLY OF INDEX FINGER WITH PIERRE ROBIN SYNDROME; INDEX FINGER ANOMALY WITH PIERRE ROBIN SYNDROME; PIERRE ROBIN SYNDROME WITH HYPERPHALANGY AND CLINODACTYLY; MICROGNATHIA DIGITAL SYNDROME. Identifiers: Orphanet 1388, MedGen C1844887, MONDO:0014507, OMIM 616145.

Allele frequency attached by ClinVar (database versions not stated): ExAC 0.00001; gnomAD 0.00001.
gnomAD v4.1: 9 of 1,571,094 alleles (0.00057%); highest among the groups gnomAD compares: South Asian, 0.011%; no homozygotes.

Submissions (2):

First Genomix Gene Laboratory, Genetic Diagnostics Department
Classification: Likely pathogenic for Catel-Manzke syndrome. Last evaluated: 2025-07-11. Review status: criteria provided, single submitter. Criteria: ACMG Guidelines, 2015. Collection method: clinical testing. Allele origin: germline. Inheritance: Autosomal recessive inheritance. Affected: no. Observed: 1 variant allele.

Revvity Omics, Revvity
Classification: Uncertain significance for Catel-Manzke syndrome. Last evaluated: 2019-05-14. Review status: criteria provided, single submitter. Criteria: ACMG Guidelines, 2015. Collection method: clinical testing. Allele origin: germline.